The following is an entry in ClinVar:

NM_001379286.1(ZNF423):c.1691C>G (p.Thr564Arg)

Gene: ZNF423 (zinc finger protein 423; minus strand). Cytogenetic location: 16q12.1.
Variant type: single nucleotide variant.
Coding change: c.1691C>G on transcript NM_001379286.1 (MANE Select); coding-DNA position 1691, C replaced by G.
Protein change: p.Thr564Arg; replaces threonine 564 with arginine.
Molecular consequence: missense variant.
Genome position (GRCh38, 1-based): chr16:49,637,485, G>C on the plus strand (C>G on the coding strand, the complement: ZNF423 is on the minus strand). VCF-style: chr16-49637485-G-C. GRCh37 (hg19) VCF-style: chr16-49671396-G-C.
Other names: c.1487C>G, p.Thr496Arg (NM_001271620.2); c.1316C>G, p.Thr439Arg (NM_001330533.2); c.1667C>G, p.Thr556Arg (NM_015069.5); short protein forms T496R, T556R, T439R, T564R.
Identifiers: ClinVar variation 851406 (VCV000851406.7), dbSNP rs573032120, ClinGen allele CA8046638.

ClinVar aggregate classification (germline): Uncertain significance (1 of 4 stars; one submission).

Conditions:
Nephronophthisis 14 (NPHP14). Identifiers: Orphanet 2318, MedGen C3539071, MONDO:0013916, OMIM 614844.

Allele frequency attached by ClinVar (database versions not stated): TOPMed 0.00004.
gnomAD v4.1: 312 of 1,614,004 alleles (0.019%); highest among the groups gnomAD compares: Non-Finnish European, 0.026%; no homozygotes.

Submission:

Labcorp Genetics (formerly Invitae), Labcorp
Classification: Uncertain significance for Nephronophthisis 14. Last evaluated: 2022-06-03. Review status: criteria provided, single submitter. Criteria: Invitae Variant Classification Sherloc (09022015). Collection method: clinical testing. Allele origin: germline.
Comment: This sequence change replaces threonine, which is neutral and polar, with arginine, which is basic and polar, at codon 556 of the ZNF423 protein (p.Thr556Arg). This variant is present in population databases (rs573032120, gnomAD 0.006%). This variant has not been reported in the literature in individuals affected with ZNF423-related conditions. ClinVar contains an entry for this variant (Variation ID: 851406). Algorithms developed to predict the effect of missense changes on protein structure and function (SIFT, PolyPhen-2, Align-GVGD) all suggest that this variant is likely to be tolerated. In summary, the available evidence is currently insufficient to determine the role of this variant in disease. Therefore, it has been classified as a Variant of Uncertain Significance.